The following is an entry in ClinVar:

ClinVar aggregate classification (germline): Pathogenic. Review status: criteria provided, multiple submitters, no conflicts (2 of 4 stars). 2 submissions from 2 submitters: Pathogenic (2). Last evaluated 2025-07-10.

Conditions:
Cardiovascular phenotype. Identifiers: MedGen CN230736.
Hereditary cancer-predisposing syndrome. Also called: Tumor predisposition; Neoplastic Syndromes, Hereditary; Hereditary Cancer Syndrome; Hereditary neoplastic syndrome. Identifiers: Orphanet 140162, MedGen C0027672, MeSH D009386, MONDO:0015356.

Submissions (2):

Ambry Genetics
Classification: Pathogenic for Cardiovascular phenotype; Hereditary cancer-predisposing syndrome. Last evaluated: 2025-07-10. Review status: criteria provided, single submitter. Criteria: Ambry Variant Classification Scheme 2023. Collection method: clinical testing. Allele origin: germline.
Comment: The p.S373* pathogenic mutation (also known as c.1118C>G), located in coding exon 10 of the LZTR1 gene, results from a C to G substitution at nucleotide position 1118. This changes the amino acid from a serine to a stop codon within coding exon 10. This alteration is expected to result in loss of function by premature protein truncation or nonsense-mediated mRNA decay. Loss-of-function variants in LZTR1 are related to an increased risk for schwannomas and autosomal recessive Noonan syndrome; however, such associations with autosomal dominant Noonan syndrome have not been observed (Piotrowski A et al. Nat Genet. 2014 Feb;46:182-7; Yamamoto GL et al. J Med Genet. 2015 Jun;52:413-21; Johnston JJ et al. Genet Med. 2018 10;20:1175-1185). Based on the supporting evidence, this variant is pathogenic for an increased risk of LZTR1-related schwannomatosis (SWN) and would be expected to cause autosomal recessive Noonan syndrome when present along with a second pathogenic or likely pathogenic variant on the other allele; however, the association of this alteration with autosomal dominant Noonan syndrome is unlikely.

Labcorp Genetics (formerly Invitae), Labcorp
Classification: Pathogenic. Last evaluated: 2025-03-26. Review status: criteria provided, single submitter. Criteria: Invitae Variant Classification Sherloc (09022015). Collection method: clinical testing. Allele origin: germline.
Comment: This sequence change creates a premature translational stop signal (p.Ser373*) in the LZTR1 gene. It is expected to result in an absent or disrupted protein product. Loss-of-function variants in LZTR1 are known to be pathogenic (PMID: 24362817, 25335493, 25480913, 25795793, 29469822, 30368668, 30442762, 30442766, 30481304, 30859559). This variant is not present in population databases (gnomAD no frequency). This variant has not been reported in the literature in individuals affected with LZTR1-related conditions. For these reasons, this variant has been classified as Pathogenic.

Literature cited by the submitters: PubMed 24362817 (cited by Labcorp Genetics (formerly Invitae), Labcorp); PubMed 25335493 (cited by Labcorp Genetics (formerly Invitae), Labcorp); PubMed 25480913 (cited by Labcorp Genetics (formerly Invitae), Labcorp); PubMed 25795793 (cited by Labcorp Genetics (formerly Invitae), Labcorp); PubMed 29469822 (cited by Labcorp Genetics (formerly Invitae), Labcorp); PubMed 30368668 (cited by Labcorp Genetics (formerly Invitae), Labcorp); PubMed 30442762 (cited by Labcorp Genetics (formerly Invitae), Labcorp); PubMed 30442766 (cited by Labcorp Genetics (formerly Invitae), Labcorp); PubMed 30481304 (cited by Labcorp Genetics (formerly Invitae), Labcorp); PubMed 30859559 (cited by Labcorp Genetics (formerly Invitae), Labcorp).

NM_006767.4(LZTR1):c.1118C>G (p.Ser373Ter)

Gene: LZTR1 (leucine zipper like post translational regulator 1; plus strand). Cytogenetic location: 22q11.21.
Variant type: single nucleotide variant.
Coding change: c.1118C>G on transcript NM_006767.4 (MANE Select); coding-DNA position 1118, C replaced by G.
Protein change: p.Ser373Ter; replaces serine 373 with a stop codon.
Molecular consequence: nonsense.
Genome position (GRCh38, 1-based): chr22:20,992,338, C>G. VCF-style: chr22-20992338-C-G. GRCh37 (hg19) VCF-style: chr22-21346627-C-G.
Other names: c.1118C>G (NM_006767.3); short protein forms S373*.
Identifiers: ClinVar variation 3691614 (VCV003691614.3).